The following is an entry in ClinVar:

NM_012330.4(KAT6B):c.155A>C (p.Glu52Ala)

Gene: KAT6B (lysine acetyltransferase 6B; plus strand). Cytogenetic location: 10q22.2.
Variant type: single nucleotide variant.
Coding change: c.155A>C on transcript NM_012330.4 (MANE Select); coding-DNA position 155, A replaced by C.
Protein change: p.Glu52Ala; replaces glutamic acid 52 with alanine.
Molecular consequence: missense variant. On other transcripts: 5 prime UTR variant (2).
Genome position (GRCh38, 1-based): chr10:74,843,012, A>C. VCF-style: chr10-74843012-A-C. GRCh37 (hg19) VCF-style: chr10-76602770-A-C.
Other names: c.155A>C, p.Glu52Ala (NM_001256468.2, NM_001256469.2, NM_001370132.1 and 10 more transcripts); c.-384A>C (NM_001370134.1, NM_001370135.1); short protein forms E52A.
Identifiers: ClinVar variation 3252762 (VCV003252762.1), dbSNP rs2548333660.

ClinVar aggregate classification (germline): Uncertain significance (1 of 4 stars; one submission).

Submission:

GeneDx
Classification: Uncertain significance. Last evaluated: 2023-10-13. Review status: criteria provided, single submitter. Criteria: GeneDx Variant Classification Process June 2021. Collection method: clinical testing. Allele origin: germline. Affected: yes.
Comment: Not observed at significant frequency in large population cohorts (gnomAD); In silico analysis supports that this missense variant has a deleterious effect on protein structure/function; Has not been previously published as pathogenic or benign to our knowledge